The following is an entry in ClinVar:

NM_004523.4(KIF11):c.1435G>C (p.Glu479Gln)

Gene: KIF11 (kinesin family member 11; plus strand). Cytogenetic location: 10q23.33.
Variant type: single nucleotide variant.
Coding change: c.1435G>C on transcript NM_004523.4 (MANE Select); coding-DNA position 1435, G replaced by C.
Protein change: p.Glu479Gln; replaces glutamic acid 479 with glutamine.
Molecular consequence: missense variant.
Genome position (GRCh38, 1-based): chr10:92,630,305, G>C. VCF-style: chr10-92630305-G-C. GRCh37 (hg19) VCF-style: chr10-94390062-G-C.
Other names: c.1435G>C (NM_004523.3); short protein forms E479Q.
Identifiers: ClinVar variation 1685515 (VCV001685515.9), dbSNP rs547554309, ClinGen allele CA211510413.
Genomic context (GRCh38, chr10:92,630,305, plus strand): 5'-CAAGAACTTGAAACCACTCAAAAACATTTGCAAGAAACTAAATTACAACTTGTTAAAGAA[G>C]AATATATCACATCAGCTTTGGAAAGTACTGAGGAGAAACTTCATGATGCTGCCAGCAAGG-3'
Protein context (NP_004514.2, residues 469-489): QETKLQLVKE[Glu479Gln]YITSALESTE

ClinVar aggregate classification (germline): Conflicting classifications of pathogenicity. Review status: criteria provided, conflicting classifications (1 of 4 stars). 4 submissions from 4 submitters: Uncertain significance (3); Benign (1). Last evaluated 2026-05-01.

Conditions:
Inborn genetic diseases. Identifiers: MedGen C0950123, MeSH D030342.

Allele frequency attached by ClinVar (database versions not stated): gnomAD exomes 0.00001; TOPMed 0.00002.
gnomAD v4.1: 11 of 1,607,488 alleles (0.00068%); highest among the groups gnomAD compares: Middle Eastern, 0.033%; no homozygotes.

Submissions (4):

CeGaT Center for Human Genetics Tuebingen
Classification: Uncertain significance. Last evaluated: 2026-05-01. Review status: criteria provided, single submitter. Criteria: CeGaT Center For Human Genetics Tuebingen Variant Classification Criteria Version 2. Collection method: clinical testing. Allele origin: germline. Affected: yes. Observed: 1 variant allele.
Comment: KIF11: PM2, BP1, BP4

Ambry Genetics
Classification: Uncertain significance for Inborn genetic diseases. Last evaluated: 2024-10-16. Review status: criteria provided, single submitter. Criteria: Ambry Variant Classification Scheme 2023. Collection method: clinical testing. Allele origin: germline.

Labcorp Genetics (formerly Invitae), Labcorp
Classification: Uncertain significance. Last evaluated: 2024-07-04. Review status: criteria provided, single submitter. Criteria: Invitae Variant Classification Sherloc (09022015). Collection method: clinical testing. Allele origin: germline.
Comment: This sequence change replaces glutamic acid, which is acidic and polar, with glutamine, which is neutral and polar, at codon 479 of the KIF11 protein (p.Glu479Gln). This variant is not present in population databases (gnomAD no frequency). This variant has not been reported in the literature in individuals affected with KIF11-related conditions. ClinVar contains an entry for this variant (Variation ID: 1685515). Advanced modeling of protein sequence and biophysical properties (such as structural, functional, and spatial information, amino acid conservation, physicochemical variation, residue mobility, and thermodynamic stability) performed at Invitae indicates that this missense variant is not expected to disrupt KIF11 protein function with a negative predictive value of 80%. In summary, the available evidence is currently insufficient to determine the role of this variant in disease. Therefore, it has been classified as a Variant of Uncertain Significance.

Mendelics
Classification: Benign. Last evaluated: 2022-05-04. Review status: criteria provided, single submitter. Criteria: Mendelics Assertion Criteria 2019. Collection method: clinical testing. Allele origin: germline.